The following is an entry in ClinVar:

ClinVar aggregate classification (germline): Uncertain significance (1 of 4 stars; one submission).

Conditions:
Pelizaeus-Merzbacher disease. Also called: LEUKODYSTROPHY, HYPOMYELINATING, 1; Sudanophilic leukodystrophy; Pelizaeus-Merzbacher spectrum disorder; Pelizaeus-Merzbacher Disease (PMD); Pelizeaus-Merzbacher spectrum disorder. Identifiers: Orphanet 702, MedGen C0205711, MONDO:0010714, OMIM 312080, HP:0003269.

Submission:

Molecular Diagnostics Lab, Nemours Children's Health, Delaware
Classification: Uncertain significance for Pelizaeus-Merzbacher disease. Last evaluated: 2021-03-10. Review status: criteria provided, single submitter. Criteria: ACMG Guidelines, 2015. Collection method: clinical testing. Allele origin: unknown. Inheritance: X-linked inheritance. Affected: yes. Observed: 1 hemizygote.
Comment: This missense variant (c.230C>A, p.Ser77Thr) has not been observed in population databases (gnomAD). It has not been described in the literature. There is insufficient evidence available to provide a classification other than uncertain significance for this variant.

NM_000533.5(PLP1):c.230C>A (p.Ser77Tyr)

Genes: PLP1 (proteolipid protein 1; plus strand), RAB9B (RAB9B, member RAS oncogene family; minus strand). Cytogenetic location: Xq22.2.
Variant type: single nucleotide variant.
Coding change: c.230C>A on transcript NM_000533.5 (MANE Select); coding-DNA position 230, C replaced by A.
Protein change: p.Ser77Tyr; replaces serine 77 with tyrosine.
Molecular consequence: missense variant.
Genome position (GRCh38, 1-based): chrX:103,786,503, C>A. VCF-style: chrX-103786503-C-A. GRCh37 (hg19) VCF-style: chrX-103041432-C-A.
Other names: c.230C>A, p.Ser77Tyr (NM_001128834.3, NM_199478.3); c.65C>A, p.Ser22Tyr (NM_001305004.1); short protein forms S22Y, S77Y.
Identifiers: ClinVar variation 3255414 (VCV003255414.2), dbSNP rs2522306859.